The following is an entry in ClinVar:

NM_001267550.2(TTN):c.71717T>C (p.Met23906Thr)

Genes: TTN (titin; minus strand), TTN-AS1 (TTN antisense RNA 1; plus strand). Cytogenetic location: 2q31.2.
Variant type: single nucleotide variant.
Coding change: c.71717T>C on transcript NM_001267550.2 (MANE Select); coding-DNA position 71717, T replaced by C.
Protein change: p.Met23906Thr; replaces methionine 23906 with threonine.
Molecular consequence: missense variant.
Genome position (GRCh38, 1-based): chr2:178,574,415, A>G on the plus strand (T>C on the coding strand, the complement: TTN is on the minus strand). VCF-style: chr2-178574415-A-G. GRCh37 (hg19) VCF-style: chr2-179439142-A-G.
Other names: c.66794T>C, p.Met22265Thr (NM_001256850.1); c.44522T>C, p.Met14841Thr (NM_003319.4); c.64013T>C, p.Met21338Thr (NM_133378.4); c.44897T>C, p.Met14966Thr (NM_133432.3); c.45098T>C, p.Met15033Thr (NM_133437.4); short protein forms M21338T, M15033T, M14966T, M22265T, M14841T, M23906T.
Identifiers: ClinVar variation 1740712 (VCV001740712.5), dbSNP rs2468628519, ClinGen allele CA349651361.
Genomic context (GRCh38, chr2:178,574,415, plus strand): 5'-TCAATGGGATCCAGAGCCAACATAGGTTCTGATGGCTTGCTTGGCTTACTTTTGCCTGCC[A>G]TGTTTTCTGCAATCACCCGGAACTCATAAGCAATACCATCTGTAAGTCCACTTGATTTGA-3'
Protein context (NP_001254479.2, residues 23896-23916): AYEFRVIAEN[Met23906Thr]AGKSKPSKPS

ClinVar aggregate classification (germline): Uncertain significance. Review status: criteria provided, multiple submitters, no conflicts (2 of 4 stars). 2 submissions from 2 submitters: Uncertain significance (2). Last evaluated 2020-11-29.

Conditions:
Cardiovascular phenotype. Identifiers: MedGen CN230736.

Allele frequency attached by ClinVar (database versions not stated): gnomAD exomes 0.00001.
gnomAD v4.1: 8 of 1,613,554 alleles (0.0005%); highest among the groups gnomAD compares: Non-Finnish European, 0.00068%; no homozygotes.

Submissions (2):

Revvity Omics, Revvity
Classification: Uncertain significance. Last evaluated: 2020-11-29. Review status: criteria provided, single submitter. Criteria: ACMG Guidelines, 2015. Collection method: clinical testing. Allele origin: germline.

Ambry Genetics
Classification: Uncertain significance for Cardiovascular phenotype. Last evaluated: 2019-03-20. Review status: criteria provided, single submitter. Criteria: Ambry Variant Classification Scheme 2023. Collection method: clinical testing. Allele origin: germline.
Comment: The p.M14841T variant (also known as c.44522T>C), located in coding exon 153 of the TTN gene, results from a T to C substitution at nucleotide position 44522. The methionine at codon 14841 is replaced by threonine, an amino acid with similar properties. This amino acid position is not well conserved in available vertebrate species. In addition, this alteration is predicted to be benign and unknown by PolyPhen and SIFT in silico analyses, respectively. Since supporting evidence is limited at this time, the clinical significance of this alteration remains unclear.